The following is an entry in ClinVar:

ClinVar aggregate classification (germline): Conflicting classifications of pathogenicity. Review status: criteria provided, conflicting classifications (1 of 4 stars). 3 submissions from 3 submitters: Uncertain significance (1); Benign (2). Last evaluated 2025-12-16.

Conditions:
Primary dilated cardiomyopathy (DCM). Also called: Dilated Cardiomyopathy. Identifiers: Orphanet 217604, MedGen C0007193, MeSH D002311, MONDO:0005021, HP:0001644. Inheritance: Various modes of inheritance.
Hypertrophic cardiomyopathy. Also called: HYPERTROPHIC MYOCARDIOPATHY. Identifiers: Orphanet 217569, MedGen C0007194, MeSH D002312, MONDO:0005045, HP:0001639.

Allele frequency attached by ClinVar (database versions not stated): gnomAD exomes 0.00050 and 0.00028; ExAC 0.00086; ESP Exome Variant Server 0.00008; gnomAD 0.00026 and 0.00017; TOPMed 0.00028; 1000 Genomes Project 0.00140; 1000 Genomes Project 30x 0.00141.
gnomAD v4.1: 443 of 1,604,494 alleles (0.028%); highest among the groups gnomAD compares: East Asian, 0.98%; 4 homozygotes.

Submissions (3):

Labcorp Genetics (formerly Invitae), Labcorp
Classification: Benign for Hypertrophic cardiomyopathy; Primary dilated cardiomyopathy. Last evaluated: 2025-12-16. Review status: criteria provided, single submitter. Criteria: Invitae Variant Classification Sherloc (09022015). Collection method: clinical testing. Allele origin: germline.

GeneDx
Classification: Uncertain significance. Last evaluated: 2025-12-09. Review status: criteria provided, single submitter. Criteria: GeneDx Variant Classification Process June 2021. Collection method: clinical testing. Allele origin: germline. Affected: yes.
Comment: In silico analysis supports that this missense variant has a deleterious effect on protein structure/function; Has not been previously published as pathogenic or benign to our knowledge; Variants in candidate genes are classified as variants of uncertain significance in accordance with ACMG guidelines (PMID: 25741868)

Center for Advanced Laboratory Medicine, UC San Diego Health, University of California San Diego
Classification: Benign for Hypertrophic cardiomyopathy. Last evaluated: 2018-12-14. Review status: criteria provided, single submitter. Criteria: ACMG Guidelines, 2015. Collection method: clinical testing. Allele origin: germline. Affected: yes. Observed: 1 variant allele.

NM_014476.6(PDLIM3):c.29C>T (p.Pro10Leu)

Gene: PDLIM3 (PDZ and LIM domain 3; minus strand). Cytogenetic location: 4q35.1.
Variant type: single nucleotide variant.
Coding change: c.29C>T on transcript NM_014476.6 (MANE Select); coding-DNA position 29, C replaced by T.
Protein change: p.Pro10Leu; replaces proline 10 with leucine.
Molecular consequence: missense variant. On other transcripts: non-coding transcript variant (1).
Genome position (GRCh38, 1-based): chr4:185,535,406, G>A on the plus strand (C>T on the coding strand, the complement: PDLIM3 is on the minus strand). VCF-style: chr4-185535406-G-A. GRCh37 (hg19) VCF-style: chr4-186456560-G-A.
Other names: p.P10L:CCT>CTT; c.29C>T, p.Pro10Leu (NM_001114107.5, NM_001257962.2, NM_001257963.2); short protein forms P10L.
Identifiers: ClinVar variation 201950 (VCV000201950.17), dbSNP rs146768859, ClinGen allele CA335479.